The following is an entry in ClinVar:

NM_006563.5(KLF1):c.556G>A (p.Gly186Arg)

Genes: KLF1 (KLF transcription factor 1; minus strand), LOC130063673 (ATAC-STARR-seq lymphoblastoid silent region 10180; plus strand). Cytogenetic location: 19p13.13.
Variant type: single nucleotide variant.
Coding change: c.556G>A on transcript NM_006563.5 (MANE Select); coding-DNA position 556, G replaced by A.
Protein change: p.Gly186Arg; replaces glycine 186 with arginine.
Molecular consequence: missense variant.
Genome position (GRCh38, 1-based): chr19:12,885,674, C>T on the plus strand (G>A on the coding strand, the complement: KLF1 is on the minus strand). VCF-style: chr19-12885674-C-T. GRCh37 (hg19) VCF-style: chr19-12996488-C-T.
Other names: short protein forms G186R.
Identifiers: ClinVar variation 2628472 (VCV002628472.1), dbSNP rs992411302, ClinGen allele CA404308837.
Genomic context (GRCh38, chr19:12,885,674, plus strand): 5'-TCGCGGGGTACCCGGACAGTAGCCCGTAGGGGGCGCCCGACGCCGCAGGCACTGAAAGCC[C>T]GGTCCGCGGGAAGTAGCCACCCGAGGAGCCGGCGCCGGGCCCCGGGTACACCGGTTGCAG-3'
Protein context (NP_006554.1, residues 176-196): GSSGGYFPRT[Gly186Arg]LSVPAASGAP

ClinVar aggregate classification (germline): Uncertain significance (1 of 4 stars; one submission).

Conditions:
KLF1-related disorder. Also called: KLF1-related condition; KLF1-Related Disorders.

Allele frequency attached by ClinVar (database versions not stated): gnomAD 0.00001; TOPMed 0.00002.

Submission:

PreventionGenetics, part of Exact Sciences
Classification: Uncertain significance for KLF1-related condition. Last evaluated: 2023-01-09. Review status: criteria provided, single submitter. Criteria: ACMG Guidelines, 2015. Collection method: clinical testing. Allele origin: germline.
Comment: The KLF1 c.556G>A variant is predicted to result in the amino acid substitution p.Gly186Arg. To our knowledge, this variant has not been reported in the literature or in a large population database, indicating this variant is rare. At this time, the clinical significance of this variant is uncertain due to the absence of conclusive functional and genetic evidence.